The following is an entry in ClinVar:

ClinVar aggregate classification (germline): Uncertain significance (1 of 4 stars; one submission).

Conditions:
Hypertrophic cardiomyopathy 19. Also called: Familial hypertrophic cardiomyopathy 19. Identifiers: MedGen CN077603, MONDO:0013476.

Allele frequency attached by ClinVar (database versions not stated): gnomAD exomes 0.00003.

Submission:

Labcorp Genetics (formerly Invitae), Labcorp
Classification: Uncertain significance for Hypertrophic cardiomyopathy 19. Last evaluated: 2024-06-06. Review status: criteria provided, single submitter. Criteria: Invitae Variant Classification Sherloc (09022015). Collection method: clinical testing. Allele origin: germline.
Comment: This sequence change replaces cysteine, which is neutral and slightly polar, with glycine, which is neutral and non-polar, at codon 12 of the CALR3 protein (p.Cys12Gly). This variant is present in population databases (rs764357332, gnomAD 0.02%). This variant has not been reported in the literature in individuals affected with CALR3-related conditions. ClinVar contains an entry for this variant (Variation ID: 1449555). Advanced modeling of protein sequence and biophysical properties (such as structural, functional, and spatial information, amino acid conservation, physicochemical variation, residue mobility, and thermodynamic stability) performed at Invitae indicates that this missense variant is not expected to disrupt CALR3 protein function with a negative predictive value of 80%. In summary, the available evidence is currently insufficient to determine the role of this variant in disease. Therefore, it has been classified as a Variant of Uncertain Significance.

NM_145046.5(CALR3):c.34T>G (p.Cys12Gly)

Gene: CALR3 (calreticulin 3; minus strand). Cytogenetic location: 19p13.11.
Variant type: single nucleotide variant.
Coding change: c.34T>G on transcript NM_145046.5 (MANE Select); coding-DNA position 34, T replaced by G.
Protein change: p.Cys12Gly; replaces cysteine 12 with glycine.
Molecular consequence: missense variant.
Genome position (GRCh38, 1-based): chr19:16,496,096, A>C on the plus strand (T>G on the coding strand, the complement: CALR3 is on the minus strand). VCF-style: chr19-16496096-A-C. GRCh37 (hg19) VCF-style: chr19-16606907-A-C.
Other names: short protein forms C12G.
Identifiers: ClinVar variation 1449555 (VCV001449555.9), dbSNP rs764357332, ClinGen allele CA9278540.